The following is an entry in ClinVar:

NM_207361.6(FREM2):c.*5491G>A

Gene: FREM2 (FRAS1 related extracellular matrix 2; plus strand). Cytogenetic location: 13q13.3.
Variant type: single nucleotide variant.
Coding change: c.*5491G>A on transcript NM_207361.6 (MANE Select); 5491 bases downstream of the stop codon, G replaced by A.
Molecular consequence: 3 prime UTR variant.
Genome position (GRCh38, 1-based): chr13:38,886,278, G>A. VCF-style: chr13-38886278-G-A. GRCh37 (hg19) VCF-style: chr13-39460415-G-A.
Identifiers: ClinVar variation 312099 (VCV000312099.5), dbSNP rs2226913, ClinGen allele CA10634349.

ClinVar aggregate classification (germline): Benign (1 of 4 stars; one submission).

Conditions:
Fraser syndrome 2 (FRASRS2). Identifiers: MedGen C4540036, MONDO:0054738, OMIM 617666.

Allele frequency attached by ClinVar (database versions not stated): gnomAD 0.73546 and 0.73809; TOPMed 0.74262; 1000 Genomes Project 0.75040; 1000 Genomes Project 30x 0.75141.

Submission:

Illumina Laboratory Services, Illumina
Classification: Benign for Fraser syndrome 2. Last evaluated: 2018-01-12. Review status: criteria provided, single submitter. Criteria: ICSL Variant Classification Criteria 13 December 2019. Collection method: clinical testing. Allele origin: germline.
Comment: This variant was observed in the ICSL laboratory as part of a predisposition screen in an ostensibly healthy population. It had not been previously curated by ICSL or reported in the Human Gene Mutation Database (HGMD: prior to June 1st, 2018), and was therefore a candidate for classification through an automated scoring system. Utilizing variant allele frequency, disease prevalence and penetrance estimates, and inheritance mode, an automated score was calculated to assess if this variant is too frequent to cause the disease. Based on the score and internal cut-off values, a variant classified as benign is not then subjected to further curation. The score for this variant resulted in a classification of benign for this disease.